The following is an entry in ClinVar:

NM_004183.4(BEST1):c.95T>C (p.Leu32Pro)

Gene: BEST1 (bestrophin 1; plus strand). Cytogenetic location: 11q12.3.
Variant type: single nucleotide variant.
Coding change: c.95T>C on transcript NM_004183.4 (MANE Select); coding-DNA position 95, T replaced by C.
Protein change: p.Leu32Pro; replaces leucine 32 with proline.
Molecular consequence: missense variant. On other transcripts: non-coding transcript variant (1), intron variant (6).
Genome position (GRCh38, 1-based): chr11:61,951,901, T>C. VCF-style: chr11-61951901-T-C. GRCh37 (hg19) VCF-style: chr11-61719373-T-C.
Other names: c.95T>C, p.Leu32Pro (NM_001363592.2, NM_001440571.1, NM_001440572.1 and 1 more transcripts); c.-29+1474T>C (NM_001139443.3, NM_001300787.2, NM_001440574.1 and 3 more transcripts); short protein forms L32P.
Identifiers: ClinVar variation 636155 (VCV000636155.12), dbSNP rs1591266591, ClinGen allele CA380831709.

ClinVar aggregate classification (germline): Pathogenic/Likely pathogenic. Review status: criteria provided, multiple submitters, no conflicts (2 of 4 stars). 3 submissions from 3 submitters: Pathogenic (1); Likely pathogenic (1). 1 of the submissions does not count toward it. Last evaluated 2025-09-08.

Conditions:
Stargardt disease (FFM). Also called: Stargardt's disease; Fundus flavimaculatus. Identifiers: Orphanet 827, MedGen C0271093, MONDO:0019353.

Submissions (3):

Labcorp Genetics (formerly Invitae), Labcorp
Classification: Pathogenic. Last evaluated: 2025-09-08. Review status: criteria provided, single submitter. Criteria: Invitae Variant Classification Sherloc (09022015). Collection method: clinical testing. Allele origin: germline.
Comment: This sequence change replaces leucine, which is neutral and non-polar, with proline, which is neutral and non-polar, at codon 32 of the BEST1 protein (p.Leu32Pro). This variant is not present in population databases (gnomAD no frequency). This missense change has been observed in individual(s) with autosomal recessive bestrophinopathy and/or clinical features of autosomal recessive inherited retinal disorders (PMID: 29507198, 30718709, 36450205). In at least one individual the data is consistent with being in trans (on the opposite chromosome) from a pathogenic variant. It has also been observed to segregate with disease in related individuals. ClinVar contains an entry for this variant (Variation ID: 636155). Invitae Evidence Modeling of protein sequence and biophysical properties (such as structural, functional, and spatial information, amino acid conservation, physicochemical variation, residue mobility, and thermodynamic stability) indicates that this missense variant is expected to disrupt BEST1 protein function with a positive predictive value of 95%. For these reasons, this variant has been classified as Pathogenic.

GeneDx
Classification: Likely pathogenic. Last evaluated: 2020-01-31. Review status: criteria provided, single submitter. Criteria: GeneDx Variant Classification Process June 2021. Collection method: clinical testing. Allele origin: germline. Affected: yes.
Comment: Not observed in large population cohorts (Lek et al., 2016); In silico analysis supports that this missense variant has a deleterious effect on protein structure/function; This variant is associated with the following publications: (PMID: 30718709)

Department of Clinical Genetics, Copenhagen University Hospital, Rigshospitalet
Classification: Uncertain significance for Stargardt disease. Last evaluated: 2018-04-01. Review status: no assertion criteria provided. Collection method: research. Allele origin: unknown. Affected: yes. Study: VeluxRD. Not counted in ClinVar's aggregate classification.

Literature cited by the submitters: PubMed 29507198 (cited by Labcorp Genetics (formerly Invitae), Labcorp); PubMed 30718709 (cited by Labcorp Genetics (formerly Invitae), Labcorp and Department of Clinical Genetics, Copenhagen University Hospital, Rigshospitalet); PubMed 36450205 (cited by Labcorp Genetics (formerly Invitae), Labcorp).